The following is an entry in ClinVar:

NM_001127208.3(TET2):c.2804G>T (p.Gly935Val)

Genes: TET2 (tet methylcytosine dioxygenase 2; plus strand), TET2-AS1 (TET2 antisense RNA 1; minus strand). Cytogenetic location: 4q24.
Variant type: single nucleotide variant.
Coding change: c.2804G>T on transcript NM_001127208.3 (MANE Select); coding-DNA position 2804, G replaced by T.
Protein change: p.Gly935Val; replaces glycine 935 with valine.
Molecular consequence: missense variant.
Genome position (GRCh38, 1-based): chr4:105,236,746, G>T. VCF-style: chr4-105236746-G-T. GRCh37 (hg19) VCF-style: chr4-106157903-G-T.
Other names: c.2804G>T, p.Gly935Val (NM_017628.4); short protein forms G935V.
Identifiers: ClinVar variation 3455299 (VCV003455299.1).

ClinVar aggregate classification (germline): Uncertain significance (1 of 4 stars; one submission).

gnomAD v4.1: 3 of 1,613,958 alleles (0.00019%); highest among the groups gnomAD compares: African/African-American, 0.004%; no homozygotes.

Submission:

Ambry Genetics
Classification: Uncertain significance. Last evaluated: 2024-11-20. Review status: criteria provided, single submitter. Criteria: Ambry Variant Classification Scheme 2023. Collection method: clinical testing. Allele origin: germline.
Comment: The p.G935V variant (also known as c.2804G>T), located in coding exon 1 of the TET2 gene, results from a G to T substitution at nucleotide position 2804. The glycine at codon 935 is replaced by valine, an amino acid with dissimilar properties. This amino acid position is conserved. In addition, this alteration is predicted to be tolerated by in silico analysis. Based on the available evidence, the clinical significance of this variant remains unclear.